The following is an entry in ClinVar:

NM_001003841.3(SLC6A19):c.709T>C (p.Phe237Leu)

Gene: SLC6A19 (solute carrier family 6 member 19; plus strand). Cytogenetic location: 5p15.33.
Variant type: single nucleotide variant.
Coding change: c.709T>C on transcript NM_001003841.3 (MANE Select); coding-DNA position 709, T replaced by C.
Protein change: p.Phe237Leu; replaces phenylalanine 237 with leucine.
Molecular consequence: missense variant.
Genome position (GRCh38, 1-based): chr5:1,213,508, T>C. VCF-style: chr5-1213508-T-C. GRCh37 (hg19) VCF-style: chr5-1213623-T-C.
Other names: short protein forms F237L.
Identifiers: ClinVar variation 2023639 (VCV002023639.1), dbSNP rs2477938955, ClinGen allele CA359067519.

ClinVar aggregate classification (germline): Uncertain significance (1 of 4 stars; one submission).

Allele frequency attached by ClinVar (database versions not stated): gnomAD exomes below 0.00001.
gnomAD v4.1: 3 of 1,600,870 alleles (0.00019%); highest among the groups gnomAD compares: Admixed American, 0.0017%; no homozygotes.

Submission:

Labcorp Genetics (formerly Invitae), Labcorp
Classification: Uncertain significance. Last evaluated: 2022-05-03. Review status: criteria provided, single submitter. Criteria: Invitae Variant Classification Sherloc (09022015). Collection method: clinical testing. Allele origin: germline.
Comment: This sequence change replaces phenylalanine, which is neutral and non-polar, with leucine, which is neutral and non-polar, at codon 237 of the SLC6A19 protein (p.Phe237Leu). This variant is not present in population databases (gnomAD no frequency). This variant has not been reported in the literature in individuals affected with SLC6A19-related conditions. Algorithms developed to predict the effect of missense changes on protein structure and function are either unavailable or do not agree on the potential impact of this missense change (SIFT: "Deleterious"; PolyPhen-2: "Probably Damaging"; Align-GVGD: "Class C0"). In summary, the available evidence is currently insufficient to determine the role of this variant in disease. Therefore, it has been classified as a Variant of Uncertain Significance.